The following is an entry in ClinVar:

NM_001001344.3(ATP2B3):c.1264G>C (p.Val422Leu)

Gene: ATP2B3 (ATPase plasma membrane Ca2+ transporting 3; plus strand). Cytogenetic location: Xq28.
Variant type: single nucleotide variant.
Coding change: c.1264G>C on transcript NM_001001344.3 (MANE Select); coding-DNA position 1264, G replaced by C.
Protein change: p.Val422Leu; replaces valine 422 with leucine.
Molecular consequence: missense variant.
Genome position (GRCh38, 1-based): chrX:153,548,780, G>C. VCF-style: chrX-153548780-G-C. GRCh37 (hg19) VCF-style: chrX-152814238-G-C.
Other names: c.1264G>C, p.Val422Leu (NM_001388360.1, NM_001388361.1, NM_001388362.1 and 1 more transcripts); short protein forms V422L.
Identifiers: ClinVar variation 452483 (VCV000452483.2), dbSNP rs782618407, ClinGen allele CA10547698.

ClinVar aggregate classification (germline): Uncertain significance (1 of 4 stars; one submission).

Allele frequency attached by ClinVar (database versions not stated): gnomAD exomes below 0.00001 and 0.00001; ExAC 0.00001.
gnomAD v4.1: 2 of 1,211,908 alleles (0.00017%); highest among the groups gnomAD compares: East Asian, 0.0059%; no homozygotes.

Submission:

GeneDx
Classification: Uncertain significance. Last evaluated: 2017-10-03. Review status: criteria provided, single submitter. Criteria: GeneDx Variant Classification (06012015). Collection method: clinical testing. Allele origin: germline. Affected: yes.
Comment: The V422L variant in the ATP2B3 gene has not been reported previously as a pathogenic variant, nor as a benign variant, to our knowledge. This variant is observed in 1/12,869 alleles (0.008%) from individuals of East Asian background in the gnomAD dataset (Lek et al., 2016). The V422L variant is a conservative amino acid substitution, which is not likely to impact secondary protein structure as these residues share similar properties. However, this substitution occurs at a position that is conserved across species, and in silico analysis predicts this variant is probably damaging to the protein structure/function. We interpret V422L as a variant of uncertain significance.